The following is an entry in ClinVar:

NM_000435.3(NOTCH3):c.2341G>A (p.Glu781Lys)

Gene: NOTCH3 (notch receptor 3; minus strand). Cytogenetic location: 19p13.12.
Variant type: single nucleotide variant.
Coding change: c.2341G>A on transcript NM_000435.3 (MANE Select); coding-DNA position 2341, G replaced by A.
Protein change: p.Glu781Lys; replaces glutamic acid 781 with lysine.
Molecular consequence: missense variant.
Genome position (GRCh38, 1-based): chr19:15,184,975, C>T on the plus strand (G>A on the coding strand, the complement: NOTCH3 is on the minus strand). VCF-style: chr19-15184975-C-T. GRCh37 (hg19) VCF-style: chr19-15295786-C-T.
Other names: short protein forms E781K.
Identifiers: ClinVar variation 1475340 (VCV001475340.6), dbSNP rs2145428734, ClinGen allele CA404520550.
Genomic context (GRCh38, chr19:15,184,975, plus strand): 5'-CCTGGGGGCAGGAGCAGACAGGCAGCTGGCCAGGGGCAGACTCGCAGCGGCCCCCATGCT[C>T]ACAGGGGTTCGGGGTGCAGGGGGAGAGGAGTTCACACTGACGTCCTGTTGGGGGTGGAAG-3'
Protein context (NP_000426.2, residues 771-791): LLSPCTPNPC[Glu781Lys]HGGRCESAPG

ClinVar aggregate classification (germline): Uncertain significance (1 of 4 stars; one submission).

Submission:

Labcorp Genetics (formerly Invitae), Labcorp
Classification: Uncertain significance. Last evaluated: 2021-12-03. Review status: criteria provided, single submitter. Criteria: Invitae Variant Classification Sherloc (09022015). Collection method: clinical testing. Allele origin: germline.
Comment: This sequence change replaces glutamic acid, which is acidic and polar, with lysine, which is basic and polar, at codon 781 of the NOTCH3 protein (p.Glu781Lys). This variant is not present in population databases (gnomAD no frequency). This variant has not been reported in the literature in individuals affected with NOTCH3-related conditions. Advanced modeling of protein sequence and biophysical properties (such as structural, functional, and spatial information, amino acid conservation, physicochemical variation, residue mobility, and thermodynamic stability) performed at Invitae indicates that this missense variant is not expected to disrupt NOTCH3 protein function. In summary, the available evidence is currently insufficient to determine the role of this variant in disease. Therefore, it has been classified as a Variant of Uncertain Significance.